The following is an entry in ClinVar:

ClinVar aggregate classification (germline): Uncertain significance. Review status: criteria provided, multiple submitters, no conflicts (2 of 4 stars). 2 submissions from 2 submitters: Uncertain significance (2). Last evaluated 2025-08-30.

Conditions:
Inborn genetic diseases. Identifiers: MedGen C0950123, MeSH D030342.
Neuropathy, hereditary sensory and autonomic, type 2A (HSAN2A). Also called: WNK1-Related HSAN2 (HSAN2A); MORVAN DISEASE; NEUROPATHY, CONGENITAL SENSORY; NEUROPATHY, HEREDITARY SENSORY RADICULAR, AUTOSOMAL RECESSIVE; NEUROPATHY, HEREDITARY SENSORY, TYPE IIA; NEUROPATHY, PROGRESSIVE SENSORY, OF CHILDREN. Identifiers: Orphanet 970, MedGen C2752089, MONDO:0024309, OMIM 201300.
Generalized epilepsy with febrile seizures plus, type 7 (GEFSP7). Also called: GEFS+, TYPE 7. Identifiers: Orphanet 36387, MedGen C2751778, MONDO:0013470, OMIM 613863.

Allele frequency attached by ClinVar (database versions not stated): gnomAD 0.00001; gnomAD exomes 0.00001; TOPMed 0.00005.
gnomAD v4.1: 5 of 1,612,534 alleles (0.00031%); highest among the groups gnomAD compares: African/African-American, 0.0067%; no homozygotes.

Submissions (2):

Ambry Genetics
Classification: Uncertain significance for Inborn genetic diseases. Last evaluated: 2025-08-30. Review status: criteria provided, single submitter. Criteria: Ambry Variant Classification Scheme 2023. Collection method: clinical testing. Allele origin: germline.

Labcorp Genetics (formerly Invitae), Labcorp
Classification: Uncertain significance for Neuropathy, hereditary sensory and autonomic, type 2A; Generalized epilepsy with febrile seizures plus, type 7. Last evaluated: 2023-01-20. Review status: criteria provided, single submitter. Criteria: Invitae Variant Classification Sherloc (09022015). Collection method: clinical testing. Allele origin: germline.
Comment: This variant is present in population databases (no rsID available, gnomAD 0.02%). This sequence change replaces alanine, which is neutral and non-polar, with glycine, which is neutral and non-polar, at codon 473 of the SCN9A protein (p.Ala473Gly). This variant has not been reported in the literature in individuals affected with SCN9A-related conditions. In summary, the available evidence is currently insufficient to determine the role of this variant in disease. Therefore, it has been classified as a Variant of Uncertain Significance. Advanced modeling of protein sequence and biophysical properties (such as structural, functional, and spatial information, amino acid conservation, physicochemical variation, residue mobility, and thermodynamic stability) performed at Invitae indicates that this missense variant is not expected to disrupt SCN9A protein function.

NM_001365536.1(SCN9A):c.1418C>G (p.Ala473Gly)

Genes: SCN9A (sodium voltage-gated channel alpha subunit 9; minus strand), SCN1A-AS1 (SCN1A and SCN9A antisense RNA 1; plus strand). Cytogenetic location: 2q24.3.
Variant type: single nucleotide variant.
Coding change: c.1418C>G on transcript NM_001365536.1 (MANE Select); coding-DNA position 1418, C replaced by G.
Protein change: p.Ala473Gly; replaces alanine 473 with glycine.
Molecular consequence: missense variant.
Genome position (GRCh38, 1-based): chr2:166,286,520, G>C on the plus strand (C>G on the coding strand, the complement: SCN9A is on the minus strand). VCF-style: chr2-166286520-G-C. GRCh37 (hg19) VCF-style: chr2-167143030-G-C.
Other names: c.1418C>G, p.Ala473Gly (NM_002977.4); short protein forms A473G.
Identifiers: ClinVar variation 2191580 (VCV002191580.5), dbSNP rs980194697, ClinGen allele CA59800749.